The following is an entry in ClinVar:

ClinVar aggregate classification (germline): Uncertain significance (1 of 4 stars; one submission).

Submission:

Labcorp Genetics (formerly Invitae), Labcorp
Classification: Uncertain significance. Last evaluated: 2022-09-02. Review status: criteria provided, single submitter. Criteria: Invitae Variant Classification Sherloc (09022015). Collection method: clinical testing. Allele origin: germline.
Comment: Algorithms developed to predict the effect of missense changes on protein structure and function are either unavailable or do not agree on the potential impact of this missense change (SIFT: "Deleterious"; PolyPhen-2: "Benign"; Align-GVGD: "Class C0"). In summary, the available evidence is currently insufficient to determine the role of this variant in disease. Therefore, it has been classified as a Variant of Uncertain Significance. This variant has not been reported in the literature in individuals affected with IGSF10-related conditions. This variant is not present in population databases (gnomAD no frequency). This sequence change replaces glutamine, which is neutral and polar, with histidine, which is basic and polar, at codon 323 of the IGSF10 protein (p.Gln323His).

NM_178822.5(IGSF10):c.969G>T (p.Gln323His)

Gene: IGSF10 (immunoglobulin superfamily member 10; minus strand). Cytogenetic location: 3q25.1.
Variant type: single nucleotide variant.
Coding change: c.969G>T on transcript NM_178822.5 (MANE Select); coding-DNA position 969, G replaced by T.
Protein change: p.Gln323His; replaces glutamine 323 with histidine.
Molecular consequence: missense variant.
Genome position (GRCh38, 1-based): chr3:151,449,012, C>A on the plus strand (G>T on the coding strand, the complement: IGSF10 is on the minus strand). VCF-style: chr3-151449012-C-A. GRCh37 (hg19) VCF-style: chr3-151166800-C-A.
Other names: c.969G>T, p.Gln323His (NM_001385060.1, NM_001385061.1, NM_001385062.1 and 1 more transcripts); short protein forms Q323H.
Identifiers: ClinVar variation 2028641 (VCV002028641.4), dbSNP rs2474507157, ClinGen allele CA355003416.
Genomic context (GRCh38, chr3:151,449,012, plus strand): 5'-AATGGGTGATGTCCTTGAGGGCTTTTGAATACTGCAGACCATGTTAGCTTCATTTCCAGA[C>A]TGATCTGTCATATTCAAAGTGAGGGAGCCAAAGGGTGCCATGAAACCTTGGGGAGAGATG-3'
Protein context (NP_849144.2, residues 313-333): FGSLTLNMTD[Gln323His]SGNEANMVCS